The following is an entry in ClinVar:

ClinVar aggregate classification (germline): Likely pathogenic (0 of 4 stars; one submission).

Conditions:
Meckel syndrome, type 6. Identifiers: Orphanet 564, MedGen C2676790, MONDO:0012848, OMIM 612284.

Submission:

Juha Muilu Group; Institute for Molecular Medicine Finland (FIMM)
Classification: Likely pathogenic for Meckel syndrome, type 6. Review status: no assertion criteria provided. Collection method: not provided. Allele origin: unknown.
Comment: FinDis database variant: This variant was not found or characterized by our laboratory, data were collected from public sources: see reference
ClinVar note: Converted during submission from probable-pathogenic to Likely pathogenic.

NM_001378615.1(CC2D2A):c.3522_3523insTG (p.His1175fs)

Genes: CC2D2A (coiled-coil and C2 domain containing 2A; plus strand), FBXL5 (F-box and leucine rich repeat protein 5; minus strand). Cytogenetic location: 4p15.32.
Variant type: Insertion.
Coding change: c.3522_3523insTG on transcript NM_001378615.1 (MANE Select); coding-DNA positions 3522 to 3523, TG inserted.
Protein change: p.His1175fs; shifts the reading frame from histidine 1175.
Molecular consequence: frameshift variant.
Genome position: GRCh38 VCF-style: chr4-15570424-C-CTG. GRCh37 (hg19) VCF-style: chr4-15572047-C-CTG.
Other names: c.3522_3523insTG, p.His1175fs (NM_001080522.2); c.3375_3376insTG, p.His1126fs (NM_001378617.1); short protein forms H1175fs, H1126fs.
Identifiers: ClinVar variation 56306 (VCV000056306.2), dbSNP rs386833754, ClinGen allele CA144228.